The following is an entry in ClinVar:

NM_000535.7(PMS2):c.439A>G (p.Thr147Ala)

Gene: PMS2 (PMS1 homolog 2, mismatch repair system component; minus strand). Cytogenetic location: 7p22.1.
Variant type: single nucleotide variant.
Coding change: c.439A>G on transcript NM_000535.7 (MANE Select); coding-DNA position 439, A replaced by G.
Protein change: p.Thr147Ala; replaces threonine 147 with alanine.
Molecular consequence: missense variant. On other transcripts: 5 prime UTR variant (2), non-coding transcript variant (1).
Genome position (GRCh38, 1-based): chr7:6,002,551, T>C on the plus strand (A>G on the coding strand, the complement: PMS2 is on the minus strand). VCF-style: chr7-6002551-T-C. GRCh37 (hg19) VCF-style: chr7-6042182-T-C.
Other names: c.34A>G, p.Thr12Ala (NM_001322003.2, NM_001322004.2, NM_001322005.2 and 3 more transcripts); c.439A>G, p.Thr147Ala (NM_001322006.2, NM_001322014.2); c.121A>G, p.Thr41Ala (NM_001322007.2, NM_001322008.2); c.-446A>G (NM_001322011.2, NM_001322012.2); c.130A>G, p.Thr44Ala (NM_001322015.2); short protein forms T12A, T147A, T41A, T44A.
Identifiers: ClinVar variation 1026951 (VCV001026951.11), dbSNP rs1583403496, ClinGen allele CA366744345.

ClinVar aggregate classification (germline): Conflicting classifications of pathogenicity. Review status: criteria provided, conflicting classifications (1 of 4 stars). 2 submissions from 2 submitters: Uncertain significance (1); Likely benign (1). Last evaluated 2024-11-20.

Conditions:
Hereditary cancer-predisposing syndrome. Also called: Neoplastic Syndromes, Hereditary; Tumor predisposition; Hereditary Cancer Syndrome; Hereditary neoplastic syndrome. Identifiers: Orphanet 140162, MedGen C0027672, MeSH D009386, MONDO:0015356.
Hereditary nonpolyposis colorectal neoplasms. Identifiers: MedGen C0009405, MeSH D003123.

Allele frequency attached by ClinVar (database versions not stated): gnomAD exomes below 0.00001.
gnomAD v4.1: 1 of 1,611,048 alleles (0.000062%); highest among the groups gnomAD compares: Non-Finnish European, 0.000085%; no homozygotes.

Submissions (2):

Labcorp Genetics (formerly Invitae), Labcorp
Classification: Uncertain significance for Hereditary nonpolyposis colorectal neoplasms. Last evaluated: 2024-11-20. Review status: criteria provided, single submitter. Criteria: Invitae Variant Classification Sherloc (09022015). Collection method: clinical testing. Allele origin: germline.
Comment: This sequence change replaces threonine, which is neutral and polar, with alanine, which is neutral and non-polar, at codon 147 of the PMS2 protein (p.Thr147Ala). This variant is not present in population databases (gnomAD no frequency). This variant has not been reported in the literature in individuals affected with PMS2-related conditions. ClinVar contains an entry for this variant (Variation ID: 1026951). Invitae Evidence Modeling incorporating data from in vitro experimental studies (internal data) indicates that this missense variant is not expected to disrupt PMS2 function with a negative predictive value of 95%. In summary, the available evidence is currently insufficient to determine the role of this variant in disease. Therefore, it has been classified as a Variant of Uncertain Significance.

Ambry Genetics
Classification: Likely benign for Hereditary cancer-predisposing syndrome. Last evaluated: 2022-03-31. Review status: criteria provided, single submitter. Criteria: Ambry Variant Classification Scheme 2023. Collection method: clinical testing. Allele origin: germline.